The following is an entry in ClinVar:

NM_005732.4(RAD50):c.2534dup (p.Ile846fs)

Gene: RAD50 (RAD50 double strand break repair protein; plus strand). Cytogenetic location: 5q31.1.
Variant type: Duplication.
Coding change: c.2534dup on transcript NM_005732.4 (MANE Select); coding-DNA position 2534, one base duplicated (A; older notation c.2534dupA).
Protein change: p.Ile846fs; shifts the reading frame from isoleucine 846.
Molecular consequence: frameshift variant.
Genome position (GRCh38, 1-based): chr5:132,604,815, A duplicated; the last of 2 consecutive A bases (chr5:132,604,814-132,604,815); duplicating either gives the same sequence. VCF-style (leftmost placement, unchanged base first): chr5-132604813-T-TA. GRCh37 (hg19) VCF-style: chr5-131940505-T-TA.
Other names: c.2534dupA (NM_005732.3); short protein forms I846fs.
Identifiers: ClinVar variation 480405 (VCV000480405.13), dbSNP rs1281337925, ClinGen allele CA658657522.
Genomic context (GRCh38, chr5:132,604,813, plus strand): 5'-TAGTATTTTCTATGCCCTTACATTAATTACTGTGATAATATGTTTTTGTGTAGTTTCTAG[T>TA]AAGATTGAATTGAATCGTAAGCTTATACAGGACCAGCAGGAACAGATTCAACATCTAAAA-3'

ClinVar aggregate classification (germline): Pathogenic. Review status: criteria provided, multiple submitters, no conflicts (2 of 4 stars). 2 submissions from 2 submitters: Pathogenic (2). Last evaluated 2021-12-07.

Conditions:
Hereditary cancer-predisposing syndrome. Also called: Hereditary Cancer Syndrome; Neoplastic Syndromes, Hereditary; Tumor predisposition; Hereditary neoplastic syndrome. Identifiers: Orphanet 140162, MedGen C0027672, MeSH D009386, MONDO:0015356.

Submissions (2):

Labcorp Genetics (formerly Invitae), Labcorp
Classification: Pathogenic for Hereditary cancer-predisposing syndrome. Last evaluated: 2021-12-07. Review status: criteria provided, single submitter. Criteria: Invitae Variant Classification Sherloc (09022015). Collection method: clinical testing. Allele origin: germline.
Comment: This sequence change creates a premature translational stop signal (p.Ile846Aspfs*2) in the RAD50 gene. It is expected to result in an absent or disrupted protein product. Loss-of-function variants in RAD50 are known to be pathogenic (PMID: 19409520). This variant is not present in population databases (gnomAD no frequency). This variant has not been reported in the literature in individuals affected with RAD50-related conditions. ClinVar contains an entry for this variant (Variation ID: 480405). For these reasons, this variant has been classified as Pathogenic.

Ambry Genetics
Classification: Pathogenic for Hereditary cancer-predisposing syndrome. Last evaluated: 2017-04-07. Review status: criteria provided, single submitter. Criteria: Ambry Variant Classification Scheme 2023. Collection method: clinical testing. Allele origin: germline.
Comment: The c.2534dupA pathogenic mutation, located in coding exon 16 of the RAD50 gene, results from a duplication of A at nucleotide position 2534, causing a translational frameshift with a predicted alternate stop codon (p.I846Dfs*2). This alteration is expected to result in loss of function by premature protein truncation or nonsense-mediated mRNA decay. As such, this alteration is interpreted as a disease-causing mutation.

Literature cited by the submitters: PubMed 19409520 (cited by Labcorp Genetics (formerly Invitae), Labcorp).